The following is an entry in ClinVar:

ClinVar aggregate classification (germline): Uncertain significance (1 of 4 stars; one submission).

Submission:

Ambry Genetics
Classification: Uncertain significance. Last evaluated: 2026-01-13. Review status: criteria provided, single submitter. Criteria: Ambry Variant Classification Scheme 2023. Collection method: clinical testing. Allele origin: germline.
Comment: The p.A214G variant (also known as c.641C>G), located in coding exon 1 of the MC1R gene, results from a C to G substitution at nucleotide position 641. The alanine at codon 214 is replaced by glycine, an amino acid with similar properties. This amino acid position is conserved. In addition, this alteration is predicted to be tolerated by in silico analysis. Based on the available evidence, the clinical significance of this variant remains unclear.

NM_002386.4(MC1R):c.641C>G (p.Ala214Gly)

Gene: MC1R (melanocortin 1 receptor; plus strand). Cytogenetic location: 16q24.3.
Variant type: single nucleotide variant.
Coding change: c.641C>G on transcript NM_002386.4 (MANE Select); coding-DNA position 641, C replaced by G.
Protein change: p.Ala214Gly; replaces alanine 214 with glycine.
Molecular consequence: missense variant.
Genome position (GRCh38, 1-based): chr16:89,919,899, C>G. VCF-style: chr16-89919899-C-G. GRCh37 (hg19) VCF-style: chr16-89986307-C-G.
Other names: short protein forms A214G.
Identifiers: ClinVar variation 4842621 (VCV004842621.1).
Genomic context (GRCh38, chr16:89,919,899, plus strand): 5'-TCTTCTTCCTGGCTATGCTGGTGCTCATGGCCGTGCTGTACGTCCACATGCTGGCCCGGG[C>G]CTGCCAGCACGCCCAGGGCATCGCCCGGCTCCACAAGAGGCAGCGCCCGGTCCACCAGGG-3'
Protein context (NP_002377.4, residues 204-224): AVLYVHMLAR[Ala214Gly]CQHAQGIARL